The following is an entry in ClinVar:

NM_024876.4(COQ8B):c.1391G>A (p.Arg464His)

Gene: COQ8B (coenzyme Q8B; minus strand). Cytogenetic location: 19q13.2.
Variant type: single nucleotide variant.
Coding change: c.1391G>A on transcript NM_024876.4 (MANE Select); coding-DNA position 1391, G replaced by A.
Protein change: p.Arg464His; replaces arginine 464 with histidine.
Molecular consequence: missense variant.
Genome position (GRCh38, 1-based): chr19:40,692,279, C>T on the plus strand (G>A on the coding strand, the complement: COQ8B is on the minus strand). VCF-style: chr19-40692279-C-T. GRCh37 (hg19) VCF-style: chr19-41198184-C-T.
Other names: c.1268G>A, p.Arg423His (NM_001142555.3); short protein forms R423H, R464H.
Identifiers: ClinVar variation 1031412 (VCV001031412.1), dbSNP rs185934352, ClinGen allele CA9450015.

ClinVar aggregate classification (germline): Uncertain significance (1 of 4 stars; one submission).

Conditions:
Nephrotic syndrome, type 9 (NPHS9). Identifiers: Orphanet 656, MedGen C3809965, MONDO:0014257, OMIM 615573.

Allele frequency attached by ClinVar (database versions not stated): gnomAD exomes 0.00002 and 0.00011; TOPMed 0.00008; gnomAD 0.00009 and 0.00011; ExAC 0.00014; 1000 Genomes Project 30x 0.00047; 1000 Genomes Project 0.00060.
gnomAD v4.1: 44 of 1,613,506 alleles (0.0027%); highest among the groups gnomAD compares: East Asian, 0.056%; no homozygotes.

Submission:

Baylor Genetics
Classification: Uncertain significance for Nephrotic syndrome, type 9. Last evaluated: 2018-04-10. Review status: criteria provided, single submitter. Criteria: ACMG Guidelines, 2015. Collection method: clinical testing. Allele origin: unknown. Affected: yes.
Comment: This variant was determined to be of uncertain significance according to ACMG Guidelines, 2015 [PMID:25741868].